The following is an entry in ClinVar:

ClinVar aggregate classification (germline): Uncertain significance (1 of 4 stars; one submission).

Conditions:
Neuromuscular disease and ocular or auditory anomalies with or without seizures. Also called: NEUROMUSCULAR OCULOAUDITORY SYNDROME. Identifiers: MedGen C5231483, MONDO:0032890, OMIM 618733.

Submission:

Juno Genomics, Hangzhou Juno Genomics, Inc
Classification: Uncertain significance for Neuromuscular disease and ocular or auditory anomalies with or without seizures. Review status: criteria provided, single submitter. Criteria: ACMG Guidelines, 2015. Collection method: clinical testing. Allele origin: germline.
Comment: Absent from controls (or at extremely low frequency if recessive) in Genome Aggregation Database.;Missense variant in a gene that has a low rate of benign missense variation.

NM_003587.5(DHX16):c.1453G>C (p.Asp485His)

Gene: DHX16 (DEAH-box helicase 16; minus strand). Cytogenetic location: 6p21.33.
Variant type: single nucleotide variant.
Coding change: c.1453G>C on transcript NM_003587.5 (MANE Select); coding-DNA position 1453, G replaced by C.
Protein change: p.Asp485His; replaces aspartic acid 485 with histidine.
Molecular consequence: missense variant. On other transcripts: 5 prime UTR variant (1).
Genome position (GRCh38, 1-based): chr6:30,662,718, C>G on the plus strand (G>C on the coding strand, the complement: DHX16 is on the minus strand). VCF-style: chr6-30662718-C-G. GRCh37 (hg19) VCF-style: chr6-30630495-C-G.
Other names: c.1273G>C, p.Asp425His (NM_001164239.2); c.-667G>C (NM_001363515.2); short protein forms D485H, D425H.
Identifiers: ClinVar variation 5007008 (VCV005007008.2).